The following is an entry in ClinVar:

ClinVar aggregate classification (germline): Likely pathogenic. Review status: reviewed by expert panel (3 of 4 stars). 5 submissions from 5 submitters: Likely pathogenic (1). 4 of the submissions do not count toward it. Last evaluated 2024-12-12.

Conditions:
Leber congenital amaurosis (LCA). Also called: Leber's amaurosis. Identifiers: Orphanet 65, MedGen C0339527, MeSH D057130, MONDO:0018998.
Leber congenital amaurosis 2 (LCA2). Also called: Autosomal Recessive RPE65-Related Retinal Degeneration; AMAUROSIS CONGENITA OF LEBER II. Identifiers: Orphanet 65, MedGen C1859844, MONDO:0008765, OMIM 204100. Disease mechanism: loss of function.
Retinitis pigmentosa 20 (RP20). Identifiers: Orphanet 791, MedGen C3151086, MONDO:0013425, OMIM 613794.
RPE65-related recessive retinopathy. Also called: Recessive RPE65 retinopathy. Identifiers: MedGen CN305526, MONDO:0100368.
RPE65-related disorder. Also called: RPE65-related disorders; RPE65-related condition. Identifiers: MedGen CN239301.

Allele frequency attached by ClinVar (database versions not stated): gnomAD exomes below 0.00001; gnomAD 0.00001.
gnomAD v4.1: 1 of 1,613,944 alleles (0.000062%); highest among the groups gnomAD compares: Non-Finnish European, 0.000085%; no homozygotes.

Submissions (5):

ClinGen Leber Congenital Amaurosis/early Onset Retinal Dystrophy Variant Curation Expert Panel, ClinGen
Classification: Likely pathogenic for RPE65-related recessive retinopathy. Last evaluated: 2024-12-12. Review status: reviewed by expert panel. Criteria: ClinGen LCAeoRD ACMG Specifications RPE65 V1.0.0. Collection method: curation. Allele origin: germline. Inheritance: Autosomal recessive inheritance.
Comment: The NM_000329.3(RPE65):c.302C>T (p.Thr101Ile) variant is a missense variant in RPE65 causing a substitution of threonine with isoleucine at position 101. This variant is present in gnomAD v.4.1.0 at a Grpmax allele frequency of 8.474e-7, with 1 / 1180026 alleles in the European (Non-Finnish) population, which is lower than the ClinGen LCA/eoRD VCEP PM2_Supporting threshold of <0.0002 (PM2_Supporting). The computational predictor REVEL gives a score of 0.88, which is above the ClinGen LCA/eoRD VCEP threshold of ≥ 0.773 and predicts a damaging effect on RPE65 function (PP3_Moderate). The variant exhibited 1.27% enzymatic activity in a retinoid isomerase assay relative to the wild-type control, which is lower than the ClinGen LCA/eoRD PS3_Supporting threshold of <10% activity, indicating that it triggers a severe defect in protein function (PS3_Supporting, PMID: 19431183). This variant has been reported in at least 1 proband with early-onset severe retinal dystrophy who was compound heterozygous with the c.271C>T p.Arg91Trp variant confirmed in trans by next-generation sequencing data (1 point, VCEP member-provided data), which was previously classified pathogenic by the ClinGen LCA/eoRD VCEP (1 total point, PM3). In summary, this variant meets the criteria to be classified as Likely Pathogenic for RPE65-related recessive retinopathy based on the ACMG/AMP criteria applied, as specified by the ClinGen LCA/eoRD VCEP: PM2_Supporting, PP3_Moderate, PS3_Supporting, PM3 (VCEP specifications version 1.0.0; date of approval 09/21/2023).

Women's Health and Genetics/Laboratory Corporation of America, LabCorp
Classification: Likely pathogenic for Leber congenital amaurosis. Last evaluated: 2025-04-18. Review status: criteria provided, single submitter. Criteria: LabCorp Variant Classification Summary - May 2015. Collection method: clinical testing. Allele origin: germline. Not counted in ClinVar's aggregate classification.
Comment: Variant summary: RPE65 c.302C>T (p.Thr101Ile) results in a non-conservative amino acid change in the encoded protein sequence. Five of five in-silico tools predict a damaging effect of the variant on protein function. The variant allele was found at a frequency of 4e-06 in 251358 control chromosomes (gnomAD). c.302C>T has been observed in an individual affected with Leber Congenital Amaurosis (Stonge_2007). At least one publication reports experimental evidence evaluating an impact on protein function, finding that the variant results in <10% of normal enzymatic activity (Philp_2009, Li_2014). The following publications have been ascertained in the context of this evaluation (PMID: 17964524, 19431183, 24849605). ClinVar contains an entry for this variant (Variation ID: 865946). Based on the evidence outlined above, the variant was classified as likely pathogenic.

Labcorp Genetics (formerly Invitae), Labcorp
Classification: Uncertain significance for Leber congenital amaurosis 2; Retinitis pigmentosa 20. Last evaluated: 2022-11-28. Review status: criteria provided, single submitter. Criteria: Invitae Variant Classification Sherloc (09022015). Collection method: clinical testing. Allele origin: germline. Not counted in ClinVar's aggregate classification.
Comment: In summary, the available evidence is currently insufficient to determine the role of this variant in disease. Therefore, it has been classified as a Variant of Uncertain Significance. Algorithms developed to predict the effect of sequence changes on RNA splicing suggest that this variant may disrupt the consensus splice site. Experimental studies have shown that this missense change affects RPE65 function (PMID: 19431183). Advanced modeling of protein sequence and biophysical properties (such as structural, functional, and spatial information, amino acid conservation, physicochemical variation, residue mobility, and thermodynamic stability) performed at Invitae indicates that this missense variant is not expected to disrupt RPE65 protein function. ClinVar contains an entry for this variant (Variation ID: 865946). This missense change has been observed in individual(s) with clinical features of inherited retinal dystrophy (PMID: 17964524; Invitae). This variant is present in population databases (no rsID available, gnomAD 0.0009%). This sequence change replaces threonine, which is neutral and polar, with isoleucine, which is neutral and non-polar, at codon 101 of the RPE65 protein (p.Thr101Ile).

SIB Swiss Institute of Bioinformatics
Classification: Likely pathogenic for Leber congenital amaurosis 2. Last evaluated: 2020-02-14. Review status: criteria provided, single submitter. Criteria: ACMG Guidelines, 2015. Collection method: curation. Allele origin: unknown. Not counted in ClinVar's aggregate classification.
Comment: This variant is interpreted as likely pathogenic for Leber congenital amaurosis 2, autosomal recessive. The following ACMG Tag(s) were applied: PM2, PP3, PS3.

Blueprint Genetics
Classification: Likely pathogenic for RPE65-related disorders. Last evaluated: 2019-06-15. Review status: criteria provided, single submitter. Criteria: ACMG Guidelines, 2015. Collection method: clinical testing. Allele origin: germline. Affected: yes. Observed: 1 variant allele. Not counted in ClinVar's aggregate classification.

Literature cited by the submitters: PubMed 17964524 (cited by 3 submitters); PubMed 24849605 (cited by Women's Health and Genetics/Laboratory Corporation of America, LabCorp); PubMed 19431183 (cited by 3 submitters).

NM_000329.3(RPE65):c.302C>T (p.Thr101Ile)

Gene: RPE65 (retinoid isomerohydrolase RPE65; minus strand). Cytogenetic location: 1p31.3.
Variant type: single nucleotide variant.
Coding change: c.302C>T on transcript NM_000329.3 (MANE Select); coding-DNA position 302, C replaced by T.
Protein change: p.Thr101Ile; replaces threonine 101 with isoleucine.
Molecular consequence: missense variant.
Genome position (GRCh38, 1-based): chr1:68,444,827, G>A on the plus strand (C>T on the coding strand, the complement: RPE65 is on the minus strand). VCF-style: chr1-68444827-G-A. GRCh37 (hg19) VCF-style: chr1-68910510-G-A.
Other names: NM_000329.3(RPE65):c.302C>T; p.Thr101Ile; short protein forms T101I.
Identifiers: ClinVar variation 865946 (VCV000865946.11), dbSNP rs1444234037, ClinGen allele CA340748300.